The following is an entry in ClinVar:

NM_003380.5(VIM):c.451GAG[2] (p.Glu153del)

Genes: VIM (vimentin; plus strand), VIM-AS1 (VIM antisense RNA 1; minus strand). Cytogenetic location: 10p13.
Variant type: Microsatellite.
Coding change: c.451GAG[2] on transcript NM_003380.5 (MANE Select); two copies in a row of the 3-base unit GAG starting at c.451; the reference has three copies in a row; one copy, 3 bases deleted.
Protein change: p.Glu153del; deletes glutamic acid 153.
Molecular consequence: inframe deletion. On other transcripts: non-coding transcript variant (1).
Genome position (GRCh38, 1-based): chr10:17,229,879-17,229,881, GAG deleted; deleting any 3 consecutive bases within chr10:17,229,873-17,229,881 gives the same sequence; the position shown is the placement nearest the transcript's 3' end. VCF-style (leftmost placement, unchanged base first): chr10-17229872-CGAG-C. GRCh37 (hg19) VCF-style: chr10-17271871-CGAG-C.
Other names: short protein forms E153del.
Identifiers: ClinVar variation 2872983 (VCV002872983.3), dbSNP rs2493179827, ClinGen allele CA2739265315.

ClinVar aggregate classification (germline): Uncertain significance (1 of 4 stars; one submission).

Conditions:
Cataract 30 (CTRCT30). Also called: CATARACT 30, PULVERULENT. Identifiers: Orphanet 91492, Orphanet 98984, Orphanet 98992, MedGen C3805411, MONDO:0007286, OMIM 116300.

Submission:

Labcorp Genetics (formerly Invitae), Labcorp
Classification: Uncertain significance for Cataract 30. Last evaluated: 2022-12-08. Review status: criteria provided, single submitter. Criteria: Invitae Variant Classification Sherloc (09022015). Collection method: clinical testing. Allele origin: germline.
Comment: In summary, the available evidence is currently insufficient to determine the role of this variant in disease. Therefore, it has been classified as a Variant of Uncertain Significance. Experimental studies and prediction algorithms are not available or were not evaluated, and the functional significance of this variant is currently unknown. This variant has not been reported in the literature in individuals affected with VIM-related conditions. This variant is not present in population databases (gnomAD no frequency). This variant, c.457_459del, results in the deletion of 1 amino acid(s) of the VIM protein (p.Glu153del), but otherwise preserves the integrity of the reading frame.